The following is an entry in ClinVar:

ClinVar aggregate classification (germline): Pathogenic (1 of 4 stars; one submission).

Submission:

Labcorp Genetics (formerly Invitae), Labcorp
Classification: Pathogenic. Last evaluated: 2023-05-26. Review status: criteria provided, single submitter. Criteria: Invitae Variant Classification Sherloc (09022015). Collection method: clinical testing. Allele origin: germline.
Comment: This sequence change creates a premature translational stop signal (p.Ser1217Alafs*71) in the COL4A4 gene. It is expected to result in an absent or disrupted protein product. Loss-of-function variants in COL4A4 are known to be pathogenic (PMID: 21196518, 24854265, 25307543). This premature translational stop signal has been observed in individual(s) with Alport syndrome (PMID: 9792860). This variant is not present in population databases (gnomAD no frequency). This variant is also known as Del of G at 3854/6; Frameshift at Ser1217 Stop at 1287. For these reasons, this variant has been classified as Pathogenic.

Literature cited by the submitters: PubMed 21196518; PubMed 24854265; PubMed 25307543; PubMed 9792860.

NM_000092.5(COL4A4):c.3648del (p.Ser1217fs)

Gene: COL4A4 (collagen type IV alpha 4 chain; minus strand). Cytogenetic location: 2q36.3.
Variant type: Deletion.
Coding change: c.3648del on transcript NM_000092.5 (MANE Select); coding-DNA position 3648, one base deleted (G; older notation c.3648delG).
Protein change: p.Ser1217fs; shifts the reading frame from serine 1217.
Molecular consequence: frameshift variant.
Genome position (GRCh38, 1-based): chr2:227,032,206, C deleted on the plus strand (G on the coding strand, the reverse complement: COL4A4 is on the minus strand); the first of 3 consecutive C bases (chr2:227,032,206-227,032,208); deleting any one gives the same sequence. VCF-style (leftmost placement, unchanged base first): chr2-227032205-TC-T. GRCh37 (hg19) VCF-style: chr2-227896921-TC-T.
Other names: short protein forms S1217fs.
Identifiers: ClinVar variation 2734405 (VCV002734405.3), dbSNP rs1485421362, ClinGen allele CA765651758.